The following is an entry in ClinVar:

NM_001365951.3(KIF1B):c.422C>G (p.Ser141Cys)

Genes: KIF1B (kinesin family member 1B; plus strand), LOC129388447 (MPRA-validated peak65 silencer; plus strand). Cytogenetic location: 1p36.22.
Variant type: single nucleotide variant.
Coding change: c.422C>G on transcript NM_001365951.3 (MANE Select); coding-DNA position 422, C replaced by G.
Protein change: p.Ser141Cys; replaces serine 141 with cysteine.
Molecular consequence: missense variant.
Genome position (GRCh38, 1-based): chr1:10,261,963, C>G. VCF-style: chr1-10261963-C-G. GRCh37 (hg19) VCF-style: chr1-10322021-C-G.
Other names: c.422C>G, p.Ser141Cys (NM_001365952.1, NM_001365953.1, NM_015074.3 and 1 more transcripts); short protein forms S141C.
Identifiers: ClinVar variation 1345244 (VCV001345244.6), dbSNP rs2102194265, ClinGen allele CA338327210.

ClinVar aggregate classification (germline): Uncertain significance (1 of 4 stars; one submission).

Conditions:
Charcot-Marie-Tooth disease type 2. Also called: Charcot-Marie-Tooth type 2. Identifiers: Orphanet 64746, MedGen C0270914, MONDO:0018993.

Submission:

Labcorp Genetics (formerly Invitae), Labcorp
Classification: Uncertain significance for Charcot-Marie-Tooth disease type 2. Last evaluated: 2025-04-08. Review status: criteria provided, single submitter. Criteria: Invitae Variant Classification Sherloc (09022015). Collection method: clinical testing. Allele origin: germline.
Comment: This sequence change replaces serine, which is neutral and polar, with cysteine, which is neutral and slightly polar, at codon 141 of the KIF1B protein (p.Ser141Cys). This variant is not present in population databases (gnomAD no frequency). This variant has not been reported in the literature in individuals affected with KIF1B-related conditions. ClinVar contains an entry for this variant (Variation ID: 1345244). Invitae Evidence Modeling of protein sequence and biophysical properties (such as structural, functional, and spatial information, amino acid conservation, physicochemical variation, residue mobility, and thermodynamic stability) has been performed for this missense variant. However, the output from this modeling did not meet the statistical confidence thresholds required to predict the impact of this variant on KIF1B protein function. In summary, the available evidence is currently insufficient to determine the role of this variant in disease. Therefore, it has been classified as a Variant of Uncertain Significance.